The following is an entry in ClinVar:

NM_014365.3(HSPB8):c.236T>C (p.Phe79Ser)

Gene: HSPB8 (heat shock protein family B (small) member 8; plus strand). Cytogenetic location: 12q24.23.
Variant type: single nucleotide variant.
Coding change: c.236T>C on transcript NM_014365.3 (MANE Select); coding-DNA position 236, T replaced by C.
Protein change: p.Phe79Ser; replaces phenylalanine 79 with serine.
Molecular consequence: missense variant.
Genome position (GRCh38, 1-based): chr12:119,179,548, T>C. VCF-style: chr12-119179548-T-C. GRCh37 (hg19) VCF-style: chr12-119617353-T-C.
Other names: short protein forms F79S.
Identifiers: ClinVar variation 4681113 (VCV004681113.1).
Genomic context (GRCh38, chr12:119,179,548, plus strand): 5'-CCTGGCCAGGCACCCTAAGGTCGGGCATGGTGCCCCGGGGCCCCACTGCCACCGCCAGGT[T>C]TGGGGTGCCTGCCGAGGGCAGGACCCCCCCACCCTTCCCTGGGGAGCCCTGGAAAGTGTG-3'
Protein context (NP_055180.1, residues 69-89): VPRGPTATAR[Phe79Ser]GVPAEGRTPP

ClinVar aggregate classification (germline): Uncertain significance (1 of 4 stars; one submission).

Submission:

GeneDx
Classification: Uncertain significance. Last evaluated: 2025-06-30. Review status: criteria provided, single submitter. Criteria: GeneDx Variant Classification Process June 2021. Collection method: clinical testing. Allele origin: germline. Affected: yes.
Comment: Not observed at significant frequency in large population cohorts (gnomAD); In silico analysis suggests that this missense variant does not alter protein structure/function; Has not been previously published as pathogenic or benign to our knowledge